The following is an entry in ClinVar:

NM_016628.5(WAC):c.1069dup (p.Leu357fs)

Gene: WAC (WW domain containing adaptor with coiled-coil; plus strand). Cytogenetic location: 10p12.1.
Variant type: Duplication.
Coding change: c.1069dup on transcript NM_016628.5 (MANE Select); coding-DNA position 1069, one base duplicated (C; older notation c.1069dupC).
Protein change: p.Leu357fs; shifts the reading frame from leucine 357.
Molecular consequence: frameshift variant.
Genome position (GRCh38, 1-based): chr10:28,608,335, C duplicated. VCF-style (leftmost placement, unchanged base first): chr10-28608334-A-AC. GRCh37 (hg19) VCF-style: chr10-28897263-A-AC.
Other names: c.934dup, p.Leu312fs (NM_100264.3); c.760dup, p.Leu254fs (NM_100486.4); short protein forms L357fs, L254fs, L312fs.
Identifiers: ClinVar variation 4995623 (VCV004995623.1).

ClinVar aggregate classification (germline): Likely pathogenic (1 of 4 stars; one submission).

Conditions:
WAC-related disorder. Also called: WAC-related condition.

Submission:

PreventionGenetics, part of Exact Sciences
Classification: Likely pathogenic for WAC-related condition. Last evaluated: 2026-09-17. Review status: criteria provided, single submitter. Criteria: ACMG Guidelines, 2015. Collection method: clinical testing. Allele origin: germline.
Comment: The WAC c.1069dupC variant is predicted to result in a frameshift and premature protein termination (p.Leu357Profs*8). To our knowledge, this variant has not been reported in the literature or in a large population database (gnomAD), indicating this variant is rare. Frameshift variants in WAC are expected to be pathogenic. This variant is interpreted as likely pathogenic.